The following is an entry in ClinVar:

ClinVar aggregate classification (germline): Uncertain significance. Review status: criteria provided, multiple submitters, no conflicts (2 of 4 stars). 2 submissions from 2 submitters: Uncertain significance (2). Last evaluated 2026-01-12.

Submissions (2):

Women's Health and Genetics/Laboratory Corporation of America, LabCorp
Classification: Uncertain significance. Last evaluated: 2026-01-12. Review status: criteria provided, single submitter. Criteria: LabCorp Variant Classification Summary - May 2015. Collection method: clinical testing. Allele origin: germline.
Comment: Variant summary: GRIA3 c.593A>T (p.Asp198Val) results in a non-conservative amino acid change in the encoded protein sequence. Algorithms developed to predict the effect of missense changes on protein structure and function are either unavailable or do not agree on the potential impact of this missense change. The variant was absent in 183367 control chromosomes. The available data on variant occurrences in the general population are insufficient to allow any conclusion about variant significance. To our knowledge, no occurrence of c.593A>T in individuals affected with GRIA3-related conditions and no experimental evidence demonstrating its impact on protein function have been reported. No submitters have cited clinical-significance assessments for this variant to ClinVar. Based on the evidence outlined above, the variant was classified as uncertain significance.

Labcorp Genetics (formerly Invitae), Labcorp
Classification: Uncertain significance. Last evaluated: 2025-04-23. Review status: criteria provided, single submitter. Criteria: Invitae Variant Classification Sherloc (09022015). Collection method: clinical testing. Allele origin: germline.
Comment: This sequence change replaces aspartic acid, which is acidic and polar, with valine, which is neutral and non-polar, at codon 198 of the GRIA3 protein (p.Asp198Val). This variant is not present in population databases (gnomAD no frequency). This variant has not been reported in the literature in individuals affected with GRIA3-related conditions. Invitae Evidence Modeling of protein sequence and biophysical properties (such as structural, functional, and spatial information, amino acid conservation, physicochemical variation, residue mobility, and thermodynamic stability) indicates that this missense variant is not expected to disrupt GRIA3 protein function with a negative predictive value of 80%. In summary, the available evidence is currently insufficient to determine the role of this variant in disease. Therefore, it has been classified as a Variant of Uncertain Significance.

NM_007325.5(GRIA3):c.593A>T (p.Asp198Val)

Gene: GRIA3 (glutamate ionotropic receptor AMPA type subunit 3; plus strand). Cytogenetic location: Xq25.
Variant type: single nucleotide variant.
Coding change: c.593A>T on transcript NM_007325.5 (MANE Select); coding-DNA position 593, A replaced by T.
Protein change: p.Asp198Val; replaces aspartic acid 198 with valine.
Molecular consequence: missense variant.
Genome position (GRCh38, 1-based): chrX:123,326,110, A>T. VCF-style: chrX-123326110-A-T. GRCh37 (hg19) VCF-style: chrX-122459961-A-T.
Other names: c.593A>T, p.Asp198Val (NM_000828.5); short protein forms D198V.
Identifiers: ClinVar variation 4689459 (VCV004689459.2).